The following is an entry in ClinVar:

ClinVar aggregate classification (germline): Uncertain significance (1 of 4 stars; one submission).

Conditions:
Cowden syndrome (CS). Also called: Cowden's disease; Cowden's syndrome; Cowden disease. Identifiers: Orphanet 201, MedGen C0018553, MONDO:0016063. Disease mechanism: gain of function.

Submission:

Labcorp Genetics (formerly Invitae), Labcorp
Classification: Uncertain significance for Cowden syndrome. Last evaluated: 2022-03-27. Review status: criteria provided, single submitter. Criteria: Invitae Variant Classification Sherloc (09022015). Collection method: clinical testing. Allele origin: germline.
Comment: In summary, the available evidence is currently insufficient to determine the role of this variant in disease. Therefore, it has been classified as a Variant of Uncertain Significance. Algorithms developed to predict the effect of missense changes on protein structure and function are either unavailable or do not agree on the potential impact of this missense change (SIFT: "Deleterious"; PolyPhen-2: "Benign"; Align-GVGD: "Class C25"). This variant has not been reported in the literature in individuals affected with PIK3CA-related conditions. This variant is not present in population databases (gnomAD no frequency). This sequence change replaces valine, which is neutral and non-polar, with alanine, which is neutral and non-polar, at codon 105 of the PIK3CA protein (p.Val105Ala).

NM_006218.4(PIK3CA):c.314T>C (p.Val105Ala)

Gene: PIK3CA (phosphatidylinositol-4,5-bisphosphate 3-kinase catalytic subunit alpha; plus strand). Cytogenetic location: 3q26.32.
Variant type: single nucleotide variant.
Coding change: c.314T>C on transcript NM_006218.4 (MANE Select); coding-DNA position 314, T replaced by C.
Protein change: p.Val105Ala; replaces valine 105 with alanine.
Molecular consequence: missense variant.
Genome position (GRCh38, 1-based): chr3:179,199,139, T>C. VCF-style: chr3-179199139-T-C. GRCh37 (hg19) VCF-style: chr3-178916927-T-C.
Other names: short protein forms V105A.
Identifiers: ClinVar variation 2099242 (VCV002099242.4), dbSNP rs2108386281, ClinGen allele CA355272674.